The following is an entry in ClinVar:

NM_130837.3(OPA1):c.2973G>C (p.Ala991=)

Gene: OPA1 (OPA1 mitochondrial dynamin like GTPase; plus strand). Cytogenetic location: 3q29.
Variant type: single nucleotide variant.
Coding change: c.2973G>C on transcript NM_130837.3 (MANE Select); coding-DNA position 2973, G replaced by C.
Protein change: p.Ala991=; no amino-acid change (alanine 991 retained).
Molecular consequence: synonymous variant.
Genome position (GRCh38, 1-based): chr3:193,667,270, G>C. VCF-style: chr3-193667270-G-C. GRCh37 (hg19) VCF-style: chr3-193385059-G-C.
Other names: c.2439G>C, p.Ala813= (NM_001354663.2); c.2436G>C, p.Ala812= (NM_001354664.2); c.2808G>C, p.Ala936= (NM_015560.3); c.2700G>C, p.Ala900= (NM_130831.3); c.2754G>C, p.Ala918= (NM_130832.3); c.2811G>C, p.Ala937= (NM_130833.3); c.2862G>C, p.Ala954= (NM_130834.3); c.2865G>C, p.Ala955= (NM_130835.3); and 1 more.
Identifiers: ClinVar variation 388730 (VCV000388730.9), dbSNP rs117475774, ClinGen allele CA2759789.
Genomic context (GRCh38, chr3:193,667,270, plus strand): 5'-TTTTGCTGAAGATGGTGAGAAGAAGATTAAATTGCTTACTGGTAAACGCGTTCAACTGGC[G>C]GAAGACCTCAGTGAGTAGTTCTTACTGCCCTCTACCTTACTACCTTTCCACCTTTCCCAT-3'
Protein context (NP_570850.2, residues 981-1001): KLLTGKRVQL[Ala991=]EDLKKVREIQ

ClinVar aggregate classification (germline): Conflicting classifications of pathogenicity. Review status: criteria provided, conflicting classifications (1 of 4 stars). 4 submissions from 4 submitters: Uncertain significance (1); Likely benign (3). Last evaluated 2024-04-18.

Conditions:
Autosomal dominant optic atrophy classic form (OPA1). Also called: Optic Atrophy Type 1; KJER-TYPE OPTIC ATROPHY; OPTIC ATROPHY, JUVENILE. Identifiers: Orphanet 98673, MedGen C0338508, MONDO:0008134, OMIM 165500.

Allele frequency attached by ClinVar (database versions not stated): TOPMed 0.00003.

Submissions (4):

Labcorp Genetics (formerly Invitae), Labcorp
Classification: Likely benign. Last evaluated: 2024-04-18. Review status: criteria provided, single submitter. Criteria: Invitae Variant Classification Sherloc (09022015). Collection method: clinical testing. Allele origin: germline.

Blueprint Genetics
Classification: Likely benign. Last evaluated: 2021-11-16. Review status: criteria provided, single submitter. Criteria: ACMG Guidelines, 2015. Collection method: clinical testing. Allele origin: germline.

Illumina Laboratory Services, Illumina
Classification: Uncertain significance for Autosomal dominant optic atrophy classic form. Last evaluated: 2017-04-27. Review status: criteria provided, single submitter. Criteria: ICSL Variant Classification Criteria 13 December 2019. Collection method: clinical testing. Allele origin: germline.

GeneDx
Classification: Likely benign. Last evaluated: 2016-09-02. Review status: criteria provided, single submitter. Criteria: GeneDx Variant Classification (06012015). Collection method: clinical testing. Allele origin: germline. Affected: yes.
Comment: This variant is considered likely benign or benign based on one or more of the following criteria: it is a conservative change, it occurs at a poorly conserved position in the protein, it is predicted to be benign by multiple in silico algorithms, and/or has population frequency not consistent with disease.